The following is an entry in ClinVar:

NC_000004.11:g.(?_100467867)_(100484881_?)dup

Gene: TRMT10A (tRNA methyltransferase 10A; minus strand). Cytogenetic location: 4q23.
Variant type: Duplication.
Identifiers: ClinVar variation 4847625 (VCV004847625.1).

ClinVar aggregate classification (germline): Uncertain significance (1 of 4 stars; one submission).

Submission:

Women's Health and Genetics/Laboratory Corporation of America, LabCorp
Classification: Uncertain significance. Last evaluated: 2026-03-27. Review status: criteria provided, single submitter. Criteria: LabCorp Variant Classification Summary - May 2015. Collection method: clinical testing. Allele origin: germline.
Comment: Variant summary: The variant involves the duplication of exons 1-8 in the TRMT10A gene. A presumed nomenclature of c.(?_-369)_(*2378_?)dup has been designated for the purposes of this classification. This duplication includes the entire coding sequence of the gene. As exact breakpoints are unknown, it may extend beyond the annotated region of the gene, to include other flanking genes. A large duplication that includes the whole TRMT10A gene was found at a frequency of 4.3e-06 in 462883 control chromosomes in the gnomAD database (CNVs v4.1 dataset). The available data on variant occurrences in the general population are insufficient to allow any conclusion about variant significance. To our knowledge, no occurrence of c.(?_-369)_(*2378_?)dup in individuals affected with TRMT10A-related conditions and no experimental evidence demonstrating its impact on protein function have been reported. ClinVar contains an entry for this variant (Variation ID: 1412787). Based on the evidence outlined above, the variant was classified as uncertain significance.